The following is an entry in ClinVar:

ClinVar aggregate classification (germline): Uncertain significance (1 of 4 stars; one submission).

Conditions:
EGFR-related lung cancer (EGFR). Identifiers: MedGen CN130014.

Submission:

Labcorp Genetics (formerly Invitae), Labcorp
Classification: Uncertain significance for EGFR-related lung cancer. Last evaluated: 2026-01-04. Review status: criteria provided, single submitter. Criteria: Invitae Variant Classification Sherloc (09022015). Collection method: clinical testing. Allele origin: germline.
Comment: This sequence change replaces cysteine, which is neutral and slightly polar, with tyrosine, which is neutral and polar, at codon 187 of the EGFR protein (p.Cys187Tyr). This variant is not present in population databases (gnomAD no frequency). This variant has not been reported in the literature in individuals affected with EGFR-related conditions. An algorithm developed to predict the effect of missense changes on protein structure and function (PolyPhen-2) suggests that this variant is likely to be disruptive. In summary, the available evidence is currently insufficient to determine the role of this variant in disease. Therefore, it has been classified as a Variant of Uncertain Significance.

NM_005228.5(EGFR):c.560G>A (p.Cys187Tyr)

Gene: EGFR (epidermal growth factor receptor; plus strand). Cytogenetic location: 7p11.2.
Variant type: single nucleotide variant.
Coding change: c.560G>A on transcript NM_005228.5 (MANE Select); coding-DNA position 560, G replaced by A.
Protein change: p.Cys187Tyr; replaces cysteine 187 with tyrosine.
Molecular consequence: missense variant. On other transcripts: intron variant (1).
Genome position (GRCh38, 1-based): chr7:55,151,294, G>A. VCF-style: chr7-55151294-G-A. GRCh37 (hg19) VCF-style: chr7-55218987-G-A.
Other names: c.425G>A, p.Gly142Asp (NM_001346897.2, NM_001346899.2); c.560G>A, p.Cys187Tyr (NM_001346898.2, NM_201282.2, NM_201283.2 and 1 more transcripts); c.401G>A, p.Cys134Tyr (NM_001346900.2); c.89-4536G>A (NM_001346941.2); short protein forms C187Y, G142D, C134Y.
Identifiers: ClinVar variation 4771445 (VCV004771445.1).